The following is an entry in ClinVar:

NM_001166108.2(PALLD):c.572G>A (p.Arg191Lys)

Gene: PALLD (palladin, cytoskeletal associated protein; plus strand). Cytogenetic location: 4q32.3.
Variant type: single nucleotide variant.
Coding change: c.572G>A on transcript NM_001166108.2 (MANE Select); coding-DNA position 572, G replaced by A.
Protein change: p.Arg191Lys; replaces arginine 191 with lysine.
Molecular consequence: missense variant.
Genome position (GRCh38, 1-based): chr4:168,512,076, G>A. VCF-style: chr4-168512076-G-A. GRCh37 (hg19) VCF-style: chr4-169433227-G-A.
Other names: c.572G>A, p.Arg191Lys (NM_016081.4); short protein forms R191K.
Identifiers: ClinVar variation 1749318 (VCV001749318.2), dbSNP rs1167116976, ClinGen allele CA358726313.

ClinVar aggregate classification (germline): Uncertain significance (1 of 4 stars; one submission).

Allele frequency attached by ClinVar (database versions not stated): gnomAD exomes below 0.00001.
gnomAD v4.1: 2 of 1,614,228 alleles (0.00012%); highest among the groups gnomAD compares: South Asian, 0.0022%; no homozygotes.

Submission:

Ambry Genetics
Classification: Uncertain significance. Last evaluated: 2022-01-10. Review status: criteria provided, single submitter. Criteria: Ambry Variant Classification Scheme 2023. Collection method: clinical testing. Allele origin: germline.
Comment: The p.R191K variant (also known as c.572G>A), located in coding exon 1 of the PALLD gene, results from a G to A substitution at nucleotide position 572. The arginine at codon 191 is replaced by lysine, an amino acid with highly similar properties. This amino acid position is conserved. In addition, this alteration is predicted to be tolerated by in silico analysis. Since supporting evidence is limited at this time, the clinical significance of this alteration remains unclear.